The following is an entry in ClinVar:

ClinVar aggregate classification (germline): Uncertain significance (1 of 4 stars; one submission).

Conditions:
Hereditary cancer-predisposing syndrome. Also called: Tumor predisposition; Hereditary neoplastic syndrome; Neoplastic Syndromes, Hereditary; Hereditary Cancer Syndrome. Identifiers: Orphanet 140162, MedGen C0027672, MeSH D009386, MONDO:0015356.

Submission:

Ambry Genetics
Classification: Uncertain significance for Hereditary cancer-predisposing syndrome. Last evaluated: 2025-03-26. Review status: criteria provided, single submitter. Criteria: Ambry Variant Classification Scheme 2023. Collection method: clinical testing. Allele origin: germline.
Comment: The p.S1846A variant (also known as c.5536T>G), located in coding exon 25 of the DICER1 gene, results from a T to G substitution at nucleotide position 5536. The serine at codon 1846 is replaced by alanine, an amino acid with similar properties. This amino acid position is conserved. In addition, this alteration is predicted to be tolerated by in silico analysis. Based on the available evidence, the clinical significance of this variant remains unclear.

NM_177438.3(DICER1):c.5536T>G (p.Ser1846Ala)

Gene: DICER1 (dicer 1, ribonuclease III; minus strand). Cytogenetic location: 14q32.13.
Variant type: single nucleotide variant.
Coding change: c.5536T>G on transcript NM_177438.3 (MANE Select); coding-DNA position 5536, T replaced by G.
Protein change: p.Ser1846Ala; replaces serine 1846 with alanine.
Molecular consequence: missense variant. On other transcripts: non-coding transcript variant (6).
Genome position (GRCh38, 1-based): chr14:95,091,101, A>C on the plus strand (T>G on the coding strand, the complement: DICER1 is on the minus strand). VCF-style: chr14-95091101-A-C. GRCh37 (hg19) VCF-style: chr14-95557438-A-C.
Other names: c.5536T>G, p.Ser1846Ala (NM_001395684.1, NM_030621.4, NM_001271282.3 and 7 more transcripts); c.5254T>G, p.Ser1752Ala (NM_001395686.1); c.5131T>G, p.Ser1711Ala (NM_001395687.1, NM_001395688.1, NM_001395689.1 and 1 more transcripts); c.4969T>G, p.Ser1657Ala (NM_001395691.1); c.3853T>G, p.Ser1285Ala (NM_001395697.1); c.5373T>G, p.Phe1791Leu (NM_001195573.1); short protein forms S1752A, S1285A, S1711A, S1846A, F1791L, S1657A.
Identifiers: ClinVar variation 4011597 (VCV004011597.1).
Genomic context (GRCh38, chr14:95,091,101, plus strand): 5'-TGGCAGTTTCTGGTTCCATTTCAAGCAATTCTCGCACAGGGGAACGGGGTACATTTGCAG[A>C]AAACTTTTCTGCAATCAAAATGAAAGAATAATATGAATAATATCTCTGAAGTTGTTTTTA-3'
Protein context (NP_803187.1, residues 1836-1856): PMMRPLIEKF[Ser1846Ala]ANVPRSPVRE